The following is an entry in ClinVar:

ClinVar aggregate classification (germline): Uncertain significance (1 of 4 stars; one submission).

Conditions:
Autosomal dominant nocturnal frontal lobe epilepsy 5. Also called: KCNT1-Related Epilepsy; CILIARY DYSKINESIA, PRIMARY, 28, WITH SITUS INVERSUS; CILIARY DYSKINESIA, PRIMARY, 28, WITHOUT SITUS INVERSUS; Epilepsy, nocturnal frontal lobe, 5. Identifiers: Orphanet 98784, MedGen C3554306, MONDO:0014002, OMIM 615005.
Developmental and epileptic encephalopathy, 14 (DEE14). Also called: Early infantile epileptic encephalopathy 14. Identifiers: Orphanet 293181, MedGen C3554195, MONDO:0013989, OMIM 614959.

Submission:

Labcorp Genetics (formerly Invitae), Labcorp
Classification: Uncertain significance for Autosomal dominant nocturnal frontal lobe epilepsy 5; Developmental and epileptic encephalopathy, 14. Last evaluated: 2024-10-22. Review status: criteria provided, single submitter. Criteria: Invitae Variant Classification Sherloc (09022015). Collection method: clinical testing. Allele origin: germline.
Comment: This variant, c.2064_2069dup, results in the insertion of 2 amino acid(s) of the KCNT1 protein (p.Gly691_Gly692dup), but otherwise preserves the integrity of the reading frame. This variant is not present in population databases (gnomAD no frequency). This variant has not been reported in the literature in individuals affected with KCNT1-related conditions. Algorithms developed to predict the effect of sequence changes on RNA splicing suggest that this variant may disrupt the consensus splice site. In summary, the available evidence is currently insufficient to determine the role of this variant in disease. Therefore, it has been classified as a Variant of Uncertain Significance.

NM_020822.3(KCNT1):c.2064_2069dup (p.Gly692_Ser693insGlyGly)

Gene: KCNT1 (potassium sodium-activated channel subfamily T member 1; plus strand). Cytogenetic location: 9q34.3.
Variant type: Duplication.
Coding change: c.2064_2069dup on transcript NM_020822.3 (MANE Select); coding-DNA positions 2064 to 2069, 6 bases duplicated (TGGGGG; older notation c.2064_2069dupTGGGGG).
Protein change: p.Gly692_Ser693insGlyGly.
Molecular consequence: inframe insertion.
Genome position (GRCh38, 1-based): chr9:135,772,770-135,772,775, TGGGGG duplicated; duplicating any 6 consecutive bases within chr9:135,772,768-135,772,775 gives the same sequence; the c. name uses the placement nearest the transcript's 3' end. VCF-style (leftmost placement, unchanged base first): chr9-135772767-C-CGGTGGG. GRCh37 (hg19) VCF-style: chr9-138664613-C-CGGTGGG.
Other names: c.1929_1934dup, p.Gly647_Ser648insGlyGly (NM_001272003.2).
Identifiers: ClinVar variation 2930114 (VCV002930114.3), dbSNP rs2490986873, ClinGen allele CA2740092934.